The following is an entry in ClinVar:

ClinVar aggregate classification (germline): Likely benign (1 of 4 stars; one submission).

gnomAD v4.1: 23 of 1,614,144 alleles (0.0014%); highest among the groups gnomAD compares: Middle Eastern, 0.066%; no homozygotes.

Submission:

CeGaT Center for Human Genetics Tuebingen
Classification: Likely benign. Last evaluated: 2025-08-01. Review status: criteria provided, single submitter. Criteria: CeGaT Center For Human Genetics Tuebingen Variant Classification Criteria Version 2. Collection method: clinical testing. Allele origin: germline. Affected: yes. Observed: 1 variant allele.
Comment: FBXO31: BP4

NM_024735.5(FBXO31):c.523C>T (p.Leu175=)

Gene: FBXO31 (F-box protein 31; minus strand). Cytogenetic location: 16q24.2.
Variant type: single nucleotide variant.
Coding change: c.523C>T on transcript NM_024735.5 (MANE Select); coding-DNA position 523, C replaced by T.
Protein change: p.Leu175=; no amino-acid change (leucine 175 retained).
Molecular consequence: synonymous variant.
Genome position (GRCh38, 1-based): chr16:87,343,732, G>A on the plus strand (C>T on the coding strand, the complement: FBXO31 is on the minus strand). VCF-style: chr16-87343732-G-A. GRCh37 (hg19) VCF-style: chr16-87377338-G-A.
Other names: c.7C>T, p.Leu3= (NM_001282683.2).
Identifiers: ClinVar variation 4084400 (VCV004084400.8).
Genomic context (GRCh38, chr16:87,343,732, plus strand): 5'-GGATCCTGAACAGAGGCTTGAATCTCATAGGGTCATCGACGTGGGGGTCATGGGGAGGCA[G>A]GTACATCCACCCGATGATGAACAGGCCGTCCACCTACAGGAGGAGATGGGCAAAGGTCCA-3'
Protein context (NP_079011.3, residues 165-185): DGLFIIGWMY[Leu175=]PPHDPHVDDP